The following is an entry in ClinVar:

NM_018010.4(IFT57):c.206C>G (p.Pro69Arg)

Gene: IFT57 (intraflagellar transport 57; minus strand). Cytogenetic location: 3q13.13.
Variant type: single nucleotide variant.
Coding change: c.206C>G on transcript NM_018010.4 (MANE Select); coding-DNA position 206, C replaced by G.
Protein change: p.Pro69Arg; replaces proline 69 with arginine.
Molecular consequence: missense variant.
Genome position (GRCh38, 1-based): chr3:108,222,117, G>C on the plus strand (C>G on the coding strand, the complement: IFT57 is on the minus strand). VCF-style: chr3-108222117-G-C. GRCh37 (hg19) VCF-style: chr3-107940964-G-C.
Other names: short protein forms P69R.
Identifiers: ClinVar variation 4273919 (VCV004273919.2).
Genomic context (GRCh38, chr3:108,222,117, plus strand): 5'-GCATCTCCCTGGGGGCTAGCAGGCACCCGGGCGCTCGGGGACGCCGGCACCCACCTGGAC[G>C]GGGCCTTCAGGTTGCTCTTCCGGAGGAACTCCTCCTCGTAGCGGAGCAGCTTCAGCTTCT-3'
Protein context (NP_060480.1, residues 59-79): EFLRKSNLKA[Pro69Arg]SRHYFALPTN

ClinVar aggregate classification (germline): Uncertain significance. Review status: criteria provided, multiple submitters, no conflicts (2 of 4 stars). 2 submissions from 2 submitters: Uncertain significance (2). Last evaluated 2025-08-26.

gnomAD v4.1: 10 of 1,601,248 alleles (0.00062%); highest among the groups gnomAD compares: South Asian, 0.0045%; no homozygotes.

Submissions (2):

Labcorp Genetics (formerly Invitae), Labcorp
Classification: Uncertain significance. Last evaluated: 2025-08-26. Review status: criteria provided, single submitter. Criteria: Invitae Variant Classification Sherloc (09022015). Collection method: clinical testing. Allele origin: germline.
Comment: This sequence change replaces proline, which is neutral and non-polar, with arginine, which is basic and polar, at codon 69 of the IFT57 protein (p.Pro69Arg). This variant is present in population databases (rs150919951, gnomAD 0.02%). This variant has not been reported in the literature in individuals affected with IFT57-related conditions. An algorithm developed to predict the effect of missense changes on protein structure and function (PolyPhen-2) suggests that this variant is likely to be disruptive. In summary, the available evidence is currently insufficient to determine the role of this variant in disease. Therefore, it has been classified as a Variant of Uncertain Significance.

Ambry Genetics
Classification: Uncertain significance. Last evaluated: 2025-08-24. Review status: criteria provided, single submitter. Criteria: Ambry Variant Classification Scheme 2023. Collection method: clinical testing. Allele origin: germline.